The following is an entry in ClinVar:

NM_004991.4(MECOM):c.853C>T (p.His285Tyr)

Gene: MECOM (MDS1 and EVI1 complex locus; minus strand). Cytogenetic location: 3q26.2.
Variant type: single nucleotide variant.
Coding change: c.853C>T on transcript NM_004991.4 (MANE Select); coding-DNA position 853, C replaced by T.
Protein change: p.His285Tyr; replaces histidine 285 with tyrosine.
Molecular consequence: missense variant.
Genome position (GRCh38, 1-based): chr3:169,122,705, G>A on the plus strand (C>T on the coding strand, the complement: MECOM is on the minus strand). VCF-style: chr3-169122705-G-A. GRCh37 (hg19) VCF-style: chr3-168840493-G-A.
Other names: c.481C>T, p.His161Tyr (NM_001105077.4); c.289C>T, p.His97Tyr (NM_001105078.4, NM_001163999.2, NM_001164000.2 and 9 more transcripts); c.853C>T, p.His285Tyr (NM_001366466.2, NM_001366473.2); short protein forms H285Y, H97Y, H161Y.
Identifiers: ClinVar variation 4053196 (VCV004053196.1).
Genomic context (GRCh38, chr3:169,122,705, plus strand): 5'-TGGACTTCCAGTTAAATGCCTTGGGACACTGATCACACTTGTATTCCCTCTCTTCAGTAT[G>A]TGACAGCATGTGTTTCTCCAGGCTGTTAAGAGAACAATAGATTTTAAAAGACAAAGGATG-3'
Protein context (NP_004982.2, residues 275-295): LQSLEKHMLS[His285Tyr]TEEREYKCDQ

ClinVar aggregate classification (germline): Uncertain significance (1 of 4 stars; one submission).

Conditions:
Inborn genetic diseases. Identifiers: MedGen C0950123, MeSH D030342.

gnomAD v4.1: 4 of 1,613,928 alleles (0.00025%); highest among the groups gnomAD compares: Admixed American, 0.005%; no homozygotes.

Submission:

Ambry Genetics
Classification: Uncertain significance for Inborn genetic diseases. Last evaluated: 2025-04-18. Review status: criteria provided, single submitter. Criteria: Ambry Variant Classification Scheme 2023. Collection method: clinical testing. Allele origin: germline.
Comment: The p.H285Y variant (also known as c.853C>T), located in coding exon 6 of the MECOM gene, results from a C to T substitution at nucleotide position 853. The histidine at codon 285 is replaced by tyrosine, an amino acid with similar properties. This amino acid position is conserved. In addition, this alteration is predicted to be deleterious by in silico analysis. Based on the available evidence, the clinical significance of this variant remains unclear.